The following is an entry in ClinVar:

ClinVar aggregate classification (germline): Uncertain significance (1 of 4 stars; one submission).

Submission:

Labcorp Genetics (formerly Invitae), Labcorp
Classification: Uncertain significance. Last evaluated: 2020-12-22. Review status: criteria provided, single submitter. Criteria: Invitae Variant Classification Sherloc (09022015). Collection method: clinical testing. Allele origin: germline.
Comment: Algorithms developed to predict the effect of missense changes on protein structure and function are either unavailable or do not agree on the potential impact of this missense change (SIFT: "Tolerated"; PolyPhen-2: "Probably Damaging"; Align-GVGD: "Class C0"). In summary, the available evidence is currently insufficient to determine the role of this variant in disease. Therefore, it has been classified as a Variant of Uncertain Significance. This variant has not been reported in the literature in individuals with LAMC3-related conditions. This sequence change replaces alanine with threonine at codon 314 of the LAMC3 protein (p.Ala314Thr). The alanine residue is moderately conserved and there is a small physicochemical difference between alanine and threonine. This variant is not present in population databases (ExAC no frequency).

NM_006059.4(LAMC3):c.940G>A (p.Ala314Thr)

Gene: LAMC3 (laminin subunit gamma 3; plus strand). Cytogenetic location: 9q34.12.
Variant type: single nucleotide variant.
Coding change: c.940G>A on transcript NM_006059.4 (MANE Select); coding-DNA position 940, G replaced by A.
Protein change: p.Ala314Thr; replaces alanine 314 with threonine.
Molecular consequence: missense variant.
Genome position (GRCh38, 1-based): chr9:131,036,296, G>A. VCF-style: chr9-131036296-G-A. GRCh37 (hg19) VCF-style: chr9-133911683-G-A.
Other names: short protein forms A314T.
Identifiers: ClinVar variation 1399287 (VCV001399287.8), dbSNP rs2133247488, ClinGen allele CA375257004.